The following is an entry in ClinVar:

NM_021939.4(FKBP10):c.1256+17dup

Gene: FKBP10 (FKBP prolyl isomerase 10; plus strand). Cytogenetic location: 17q21.2.
Variant type: Duplication.
Coding change: c.1256+17dup on transcript NM_021939.4 (MANE Select); 17 bases into the intron after coding-DNA position 1256, one base duplicated (G; older notation c.1256+17dupG).
Molecular consequence: intron variant.
Genome position (GRCh38, 1-based): chr17:41,820,478, G duplicated; the last of 9 consecutive G bases (chr17:41,820,470-41,820,478); duplicating any one gives the same sequence. VCF-style (leftmost placement, unchanged base first): chr17-41820469-C-CG. GRCh37 (hg19) VCF-style: chr17-39976721-C-CG.
Other names: p.?; c.1256+17dupG (NM_021939.3).
Identifiers: ClinVar variation 323191 (VCV000323191.32), dbSNP rs55720039, ClinGen allele CA8566554.
Genomic context (GRCh38, chr17:41,820,469, plus strand): 5'-GTTCGATACCATTACAACTGTTCTTTGCTGGACGGCACCCAGCTGTTCACCTCGTGGGTC[C>CG]GGGGGGGGGCCGGGACTGGGCAGGTGGGTGGGCACAGGCATGGGGAGTCCTCCTCAGTGC-3'

ClinVar aggregate classification (germline): Benign. Review status: criteria provided, multiple submitters, no conflicts (2 of 4 stars). 7 submissions from 6 submitters: Benign (6). 1 of the submissions does not count toward it. Last evaluated 2026-02-04.

Conditions:
Bruck syndrome 1 (BRKS1). Also called: ARTHROGRYPOSIS-LIKE DISORDER. Identifiers: Orphanet 1149, Orphanet 2771, MedGen C1850168, MONDO:0009806, OMIM 259450.
Osteogenesis imperfecta type 11. Also called: OI, TYPE XI; Osteogenesis imperfecta, type XI. Identifiers: Orphanet 666, MedGen C3151218, MONDO:0012592, OMIM 610968.
Osteogenesis imperfecta (OI). Identifiers: Orphanet 666, MedGen C0029434, MeSH D010013, MONDO:0019019.

Submissions (7):

Labcorp Genetics (formerly Invitae), Labcorp
Classification: Benign. Last evaluated: 2026-02-04. Review status: criteria provided, single submitter. Criteria: Invitae Variant Classification Sherloc (09022015). Collection method: clinical testing. Allele origin: germline.

Mayo Clinic Laboratories, Mayo Clinic
Classification: Benign. Last evaluated: 2025-02-05. Review status: criteria provided, single submitter. Criteria: ACMG Guidelines, 2015. Collection method: clinical testing. Allele origin: germline. Observed: 1 variant allele.

ARUP Laboratories, Molecular Genetics and Genomics, ARUP Laboratories
Classification: Benign. Last evaluated: 2024-09-06. Review status: criteria provided, single submitter. Criteria: ARUP Molecular Germline Variant Investigation Process 2024. Collection method: clinical testing. Allele origin: germline.

Genome Diagnostics Laboratory, The Hospital for Sick Children
Classification: Benign for Osteogenesis imperfecta. Last evaluated: 2022-03-02. Review status: criteria provided, single submitter. Criteria: ACMG Guidelines, 2015. Collection method: clinical testing. Allele origin: germline.

Fulgent Genetics
Classification: Benign for Bruck syndrome 1; Osteogenesis imperfecta type 11. Last evaluated: 2021-10-18. Review status: criteria provided, single submitter. Criteria: ACMG Guidelines, 2015. Collection method: clinical testing. Allele origin: unknown.

GeneDx
Classification: Benign. Last evaluated: 2020-10-29. Review status: criteria provided, single submitter. Criteria: GeneDx Variant Classification Process June 2021. Collection method: clinical testing. Allele origin: germline. Affected: yes.

GeneDx
Classification: Likely benign. Last evaluated: 2017-11-28. Review status: flagged submission. Criteria: GeneDx Variant Classification (06012015). Collection method: clinical testing. Allele origin: germline. Affected: yes. Not counted in ClinVar's aggregate classification.
Comment: This variant is considered likely benign or benign based on one or more of the following criteria: it is a conservative change, it occurs at a poorly conserved position in the protein, it is predicted to be benign by multiple in silico algorithms, and/or has population frequency not consistent with disease.
ClinVar note: Reason: This record appears to be redundant with a more recent record from the same submitter.
ClinVar note: Notes: SCV000729011 appears to be redundant with SCV001893566.